The following is an entry in ClinVar:

ClinVar aggregate classification (germline): Benign. Review status: criteria provided, multiple submitters, no conflicts (2 of 4 stars). 2 submissions from 2 submitters: Benign (2). Last evaluated 2018-06-19.

Allele frequency attached by ClinVar (database versions not stated): 1000 Genomes Project 0.07348; 1000 Genomes Project 30x 0.07542; TOPMed 0.11819; gnomAD 0.16973 and 0.17125.
gnomAD v4.1: 17,906 of 105,512 alleles (17%); highest among the groups gnomAD compares: Non-Finnish European, 23%; 1,364 homozygotes.

Submissions (2):

GeneDx
Classification: Benign. Last evaluated: 2018-06-19. Review status: criteria provided, single submitter. Criteria: GeneDx Variant Classification (06012015). Collection method: clinical testing. Allele origin: germline. Affected: yes.
Comment: This variant is considered likely benign or benign based on one or more of the following criteria: it is a conservative change, it occurs at a poorly conserved position in the protein, it is predicted to be benign by multiple in silico algorithms, and/or has population frequency not consistent with disease.

Breakthrough Genomics
Classification: Benign. Review status: criteria provided, single submitter. Criteria: ACMG Guidelines, 2015. Collection method: not provided. Allele origin: germline. Inheritance: Autosomal recessive inheritance. Affected: yes.

NM_001849.4(COL6A2):c.1609-155T>C

Gene: COL6A2 (collagen type VI alpha 2 chain; plus strand). Cytogenetic location: 21q22.3.
Variant type: single nucleotide variant.
Coding change: c.1609-155T>C on transcript NM_001849.4 (MANE Select); 155 bases into the intron before coding-DNA position 1609, T replaced by C.
Molecular consequence: intron variant.
Genome position (GRCh38, 1-based): chr21:46,122,720, T>C. VCF-style: chr21-46122720-T-C. GRCh37 (hg19) VCF-style: chr21-47542634-T-C.
Other names: c.1609-155T>C (NM_058175.3, NM_058174.3).
Identifiers: ClinVar variation 680238 (VCV000680238.2), dbSNP rs17272671, ClinGen allele CA14881779.